The following is an entry in ClinVar:

ClinVar aggregate classification (germline): Uncertain significance (1 of 4 stars; one submission).

Allele frequency attached by ClinVar (database versions not stated): gnomAD exomes below 0.00001.
gnomAD v4.1: 1 of 1,614,178 alleles (0.000062%); highest among the groups gnomAD compares: South Asian, 0.0011%; no homozygotes.

Submission:

GeneDx
Classification: Uncertain significance. Last evaluated: 2022-10-28. Review status: criteria provided, single submitter. Criteria: GeneDx Variant Classification Process June 2021. Collection method: clinical testing. Allele origin: germline. Affected: yes.
Comment: Not observed at significant frequency in large population cohorts (gnomAD); In silico analysis supports that this missense variant does not alter protein structure/function; Has not been previously published as pathogenic or benign to our knowledge

NM_003242.6(TGFBR2):c.1302G>A (p.Met434Ile)

Gene: TGFBR2 (transforming growth factor beta receptor 2; plus strand). Cytogenetic location: 3p24.1.
Variant type: single nucleotide variant.
Coding change: c.1302G>A on transcript NM_003242.6 (MANE Select); coding-DNA position 1302, G replaced by A.
Protein change: p.Met434Ile; replaces methionine 434 with isoleucine.
Molecular consequence: missense variant. On other transcripts: intron variant (1).
Genome position (GRCh38, 1-based): chr3:30,674,152, G>A. VCF-style: chr3-30674152-G-A. GRCh37 (hg19) VCF-style: chr3-30715644-G-A.
Other names: c.1377G>A, p.Met459Ile (NM_001024847.3); c.1485G>A, p.Met495Ile (NM_001407126.1); c.1410G>A, p.Met470Ile (NM_001407127.1); c.1329G>A, p.Met443Ile (NM_001407128.1); c.1305G>A, p.Met435Ile (NM_001407129.1); c.1302G>A, p.Met434Ile (NM_001407130.1); c.1197G>A, p.Met399Ile (NM_001407132.1, NM_001407133.1, NM_001407134.1 and 2 more transcripts); c.1017G>A, p.Met339Ile (NM_001407137.1); and 2 more; short protein forms M314I, M339I, M399I, M434I, M435I, M443I, M459I, M470I.
Identifiers: ClinVar variation 2500622 (VCV002500622.1), dbSNP rs2125438960, ClinGen allele CA351808964.
Genomic context (GRCh38, chr3:30,674,152, plus strand): 5'-GTTTTTGCTATAGGTGGGAACTGCAAGATACATGGCTCCAGAAGTCCTAGAATCCAGGAT[G>A]AATTTGGAGAATGTTGAGTCCTTCAAGCAGACCGATGTCTACTCCATGGCTCTGGTGCTC-3'
Protein context (NP_003233.4, residues 424-444): YMAPEVLESR[Met434Ile]NLENVESFKQ